The following is an entry in ClinVar:

ClinVar aggregate classification (germline): Uncertain significance. Review status: criteria provided, multiple submitters, no conflicts (2 of 4 stars). 2 submissions from 2 submitters: Uncertain significance (2). Last evaluated 2025-04-04.

Conditions:
Baller-Gerold syndrome (BGS). Also called: CRANIOSYNOSTOSIS WITH RADIAL DEFECTS. Identifiers: Orphanet 1225, MedGen C0265308, MONDO:0009039, OMIM 218600.
Inborn genetic diseases. Identifiers: MedGen C0950123, MeSH D030342.

Allele frequency attached by ClinVar (database versions not stated): gnomAD exomes below 0.00001; TOPMed below 0.00001; ExAC 0.00001.
gnomAD v4.1: 2 of 1,612,716 alleles (0.00012%); highest among the groups gnomAD compares: African/African-American, 0.0013%; no homozygotes.

Submissions (2):

Ambry Genetics
Classification: Uncertain significance for Inborn genetic diseases. Last evaluated: 2025-04-04. Review status: criteria provided, single submitter. Criteria: Ambry Variant Classification Scheme 2023. Collection method: clinical testing. Allele origin: germline.
Comment: The p.S421N variant (also known as c.1262G>A), located in coding exon 7 of the RECQL4 gene, results from a G to A substitution at nucleotide position 1262. The serine at codon 421 is replaced by asparagine, an amino acid with highly similar properties. This amino acid position is conserved. In addition, this alteration is predicted to be tolerated by in silico analysis. Based on the available evidence, the clinical significance of this variant remains unclear.

Labcorp Genetics (formerly Invitae), Labcorp
Classification: Uncertain significance for Baller-Gerold syndrome. Last evaluated: 2023-06-30. Review status: criteria provided, single submitter. Criteria: Invitae Variant Classification Sherloc (09022015). Collection method: clinical testing. Allele origin: germline.
Comment: This variant is present in population databases (rs777333651, gnomAD 0.0009%). In summary, the available evidence is currently insufficient to determine the role of this variant in disease. Therefore, it has been classified as a Variant of Uncertain Significance. Algorithms developed to predict the effect of sequence changes on RNA splicing suggest that this variant may disrupt the consensus splice site. Advanced modeling of protein sequence and biophysical properties (such as structural, functional, and spatial information, amino acid conservation, physicochemical variation, residue mobility, and thermodynamic stability) performed at Invitae indicates that this missense variant is not expected to disrupt RECQL4 protein function. ClinVar contains an entry for this variant (Variation ID: 1425904). This variant has not been reported in the literature in individuals affected with RECQL4-related conditions. This sequence change replaces serine, which is neutral and polar, with asparagine, which is neutral and polar, at codon 421 of the RECQL4 protein (p.Ser421Asn).

NM_004260.4(RECQL4):c.1262G>A (p.Ser421Asn)

Gene: RECQL4 (RecQ like helicase 4; minus strand). Cytogenetic location: 8q24.3.
Variant type: single nucleotide variant.
Coding change: c.1262G>A on transcript NM_004260.4 (MANE Select); coding-DNA position 1262, G replaced by A.
Protein change: p.Ser421Asn; replaces serine 421 with asparagine.
Molecular consequence: missense variant.
Genome position (GRCh38, 1-based): chr8:144,515,454, C>T on the plus strand (G>A on the coding strand, the complement: RECQL4 is on the minus strand). VCF-style: chr8-144515454-C-T. GRCh37 (hg19) VCF-style: chr8-145740838-C-T.
Other names: c.1262G>A (NM_004260.3); short protein forms S421N.
Identifiers: ClinVar variation 1425904 (VCV001425904.5), dbSNP rs777333651, ClinGen allele CA4948929.